The following is an entry in ClinVar:

NM_138694.4(PKHD1):c.7640C>T (p.Ser2547Leu)

Gene: PKHD1 (PKHD1 ciliary IPT domain containing fibrocystin/polyductin; minus strand). Cytogenetic location: 6p12.2.
Variant type: single nucleotide variant.
Coding change: c.7640C>T on transcript NM_138694.4 (MANE Select); coding-DNA position 7640, C replaced by T.
Protein change: p.Ser2547Leu; replaces serine 2547 with leucine.
Molecular consequence: missense variant.
Genome position (GRCh38, 1-based): chr6:51,867,956, G>A on the plus strand (C>T on the coding strand, the complement: PKHD1 is on the minus strand). VCF-style: chr6-51867956-G-A. GRCh37 (hg19) VCF-style: chr6-51732754-G-A.
Other names: c.7640C>T, p.Ser2547Leu (NM_170724.3); short protein forms S2547L.
Identifiers: ClinVar variation 3365971 (VCV003365971.1).

ClinVar aggregate classification (germline): Uncertain significance (1 of 4 stars; one submission).

Submission:

GeneDx
Classification: Uncertain significance. Last evaluated: 2023-10-17. Review status: criteria provided, single submitter. Criteria: GeneDx Variant Classification Process June 2021. Collection method: clinical testing. Allele origin: germline. Affected: yes.
Comment: Not observed at significant frequency in large population cohorts (gnomAD); In silico analysis supports that this missense variant does not alter protein structure/function; Has not been previously published as pathogenic or benign to our knowledge